The following is an entry in ClinVar:

ClinVar aggregate classification (germline): Uncertain significance (1 of 4 stars; one submission).

Conditions:
Multiple endocrine neoplasia, type 1 (MEN1). Also called: Endocrine adenomatosis multiple; MEN 1; MEA I; MEN I; WERMER SYNDROME. Identifiers: Orphanet 652, MedGen C0025267, MeSH D018761, MONDO:0007540, OMIM 131100.

Submission:

Labcorp Genetics (formerly Invitae), Labcorp
Classification: Uncertain significance for Multiple endocrine neoplasia, type 1. Last evaluated: 2025-07-30. Review status: criteria provided, single submitter. Criteria: Invitae Variant Classification Sherloc (09022015). Collection method: clinical testing. Allele origin: germline.
Comment: This sequence change replaces isoleucine, which is neutral and non-polar, with leucine, which is neutral and non-polar, at codon 457 of the MEN1 protein (p.Ile457Leu). This variant is not present in population databases (gnomAD no frequency). This variant has not been reported in the literature in individuals affected with MEN1-related conditions. ClinVar contains an entry for this variant (Variation ID: 1508472). Invitae Evidence Modeling of protein sequence and biophysical properties (such as structural, functional, and spatial information, amino acid conservation, physicochemical variation, residue mobility, and thermodynamic stability) indicates that this missense variant is not expected to disrupt MEN1 protein function with a negative predictive value of 95%. In summary, the available evidence is currently insufficient to determine the role of this variant in disease. Therefore, it has been classified as a Variant of Uncertain Significance.

NM_001370259.2(MEN1):c.1369A>T (p.Ile457Leu)

Gene: MEN1 (menin 1; minus strand). Cytogenetic location: 11q13.1.
Variant type: single nucleotide variant.
Coding change: c.1369A>T on transcript NM_001370259.2 (MANE Select); coding-DNA position 1369, A replaced by T.
Protein change: p.Ile457Leu; replaces isoleucine 457 with leucine.
Molecular consequence: missense variant.
Genome position (GRCh38, 1-based): chr11:64,804,798, T>A on the plus strand (A>T on the coding strand, the complement: MEN1 is on the minus strand). VCF-style: chr11-64804798-T-A. GRCh37 (hg19) VCF-style: chr11-64572270-T-A.
Other names: c.1384A>T, p.Ile462Leu (NM_000244.4, NM_130800.3, NM_130801.3 and 3 more transcripts); c.1495A>T, p.Ile499Leu (NM_001370251.2); c.1369A>T, p.Ile457Leu (NM_001370260.2, NM_001370261.2, NM_130799.3); c.1264A>T, p.Ile422Leu (NM_001370262.2, NM_001370263.2); short protein forms I462L, I499L, I422L, I457L.
Identifiers: ClinVar variation 1508472 (VCV001508472.8), dbSNP rs1021589871, ClinGen allele CA381179864.